The following is an entry in ClinVar:

ClinVar aggregate classification (germline): Uncertain significance. Review status: criteria provided, multiple submitters, no conflicts (2 of 4 stars). 2 submissions from 2 submitters: Uncertain significance (2). Last evaluated 2025-10-07.

Conditions:
Inborn genetic diseases. Identifiers: MedGen C0950123, MeSH D030342.
Microcephaly-intellectual disability-sensorineural hearing loss-epilepsy-abnormal muscle tone syndrome (NEDHSB). Also called: NEURODEVELOPMENTAL DISORDER WITH HEARING LOSS, SEIZURES, AND BRAIN ABNORMALITIES. Identifiers: Orphanet 457351, MedGen C4225276, MONDO:0014698, OMIM 616577.

Allele frequency attached by ClinVar (database versions not stated): ESP Exome Variant Server 0.00008.
gnomAD v4.1: 3 of 1,613,724 alleles (0.00019%); highest among the groups gnomAD compares: African/African-American, 0.004%; no homozygotes.

Submissions (2):

Ambry Genetics
Classification: Uncertain significance for Inborn genetic diseases. Last evaluated: 2025-10-07. Review status: criteria provided, single submitter. Criteria: Ambry Variant Classification Scheme 2023. Collection method: clinical testing. Allele origin: germline.

Labcorp Genetics (formerly Invitae), Labcorp
Classification: Uncertain significance for Microcephaly-intellectual disability-sensorineural hearing loss-epilepsy-abnormal muscle tone syndrome. Last evaluated: 2023-07-17. Review status: criteria provided, single submitter. Criteria: Invitae Variant Classification Sherloc (09022015). Collection method: clinical testing. Allele origin: germline.
Comment: This sequence change replaces alanine, which is neutral and non-polar, with valine, which is neutral and non-polar, at codon 742 of the SPATA5 protein (p.Ala742Val). This variant is present in population databases (rs150422496, gnomAD 0.01%). This variant has not been reported in the literature in individuals affected with SPATA5-related conditions. ClinVar contains an entry for this variant (Variation ID: 1390492). Advanced modeling of protein sequence and biophysical properties (such as structural, functional, and spatial information, amino acid conservation, physicochemical variation, residue mobility, and thermodynamic stability) has been performed at Invitae for this missense variant, however the output from this modeling did not meet the statistical confidence thresholds required to predict the impact of this variant on SPATA5 protein function. In summary, the available evidence is currently insufficient to determine the role of this variant in disease. Therefore, it has been classified as a Variant of Uncertain Significance.

NM_145207.3(AFG2A):c.2225C>T (p.Ala742Val)

Gene: AFG2A (AAA ATPase AFG2A; plus strand). Cytogenetic location: 4q28.1.
Variant type: single nucleotide variant.
Coding change: c.2225C>T on transcript NM_145207.3 (MANE Select); coding-DNA position 2225, C replaced by T.
Protein change: p.Ala742Val; replaces alanine 742 with valine.
Molecular consequence: missense variant.
Genome position (GRCh38, 1-based): chr4:123,090,590, C>T. VCF-style: chr4-123090590-C-T. GRCh37 (hg19) VCF-style: chr4-124011745-C-T.
Other names: c.2222C>T, p.Ala741Val (NM_001345856.2); c.2225C>T (NM_145207.2); short protein forms A742V, A741V.
Identifiers: ClinVar variation 1390492 (VCV001390492.11), dbSNP rs150422496, ClinGen allele CA3070688.
Genomic context (GRCh38, chr4:123,090,590, plus strand): 5'-TATTTGAAGATAAGTAAAGATATTTTTTAAACCGTACTTTCAAAATCAGTTCTTTAGGTG[C>T]TGGGAATGTAGCCGATCGTGTTTTGGCTCAGCTCTTAACAGAAATGGATGGGATTGAACA-3'
Protein context (NP_660208.2, residues 732-752): LAVERGSSLG[Ala742Val]GNVADRVLAQ